The following is an entry in ClinVar:

NM_022039.4(FBXW4):c.1364T>C (p.Met455Thr)

Gene: FBXW4 (F-box and WD repeat domain containing 4; minus strand). Cytogenetic location: 10q24.32.
Variant type: single nucleotide variant.
Coding change: c.1364T>C on transcript NM_022039.4 (MANE Select); coding-DNA position 1364, T replaced by C.
Protein change: p.Met455Thr; replaces methionine 455 with threonine.
Molecular consequence: missense variant. On other transcripts: non-coding transcript variant (1).
Genome position (GRCh38, 1-based): chr10:101,612,415, A>G on the plus strand (T>C on the coding strand, the complement: FBXW4 is on the minus strand). VCF-style: chr10-101612415-A-G. GRCh37 (hg19) VCF-style: chr10-103372172-A-G.
Other names: c.638T>C, p.Met213Thr (NM_001323541.2); short protein forms M213T, M455T.
Identifiers: ClinVar variation 4700337 (VCV004700337.1).

ClinVar aggregate classification (germline): Uncertain significance (1 of 4 stars; one submission).

gnomAD v4.1: 14 of 1,599,144 alleles (0.00088%); highest among the groups gnomAD compares: Admixed American, 0.0017%; no homozygotes.

Submission:

Labcorp Genetics (formerly Invitae), Labcorp
Classification: Uncertain significance. Last evaluated: 2025-10-26. Review status: criteria provided, single submitter. Criteria: Invitae Variant Classification Sherloc (09022015). Collection method: clinical testing. Allele origin: germline.
Comment: This sequence change replaces methionine, which is neutral and non-polar, with threonine, which is neutral and polar, at codon 300 of the FBXW4 protein (p.Met300Thr). This variant is present in population databases (rs373820445, gnomAD 0.003%). This variant has not been reported in the literature in individuals affected with FBXW4-related conditions. An algorithm developed to predict the effect of missense changes on protein structure and function (PolyPhen-2) suggests that this variant is likely to be tolerated. In summary, the available evidence is currently insufficient to determine the role of this variant in disease. Therefore, it has been classified as a Variant of Uncertain Significance.